The following is an entry in ClinVar:

ClinVar aggregate classification (germline): Uncertain significance. Review status: criteria provided, multiple submitters, no conflicts (2 of 4 stars). 2 submissions from 2 submitters: Uncertain significance (2). Last evaluated 2024-05-20.

Conditions:
Hereditary cancer-predisposing syndrome. Also called: Tumor predisposition; Neoplastic Syndromes, Hereditary; Hereditary Cancer Syndrome; Hereditary neoplastic syndrome. Identifiers: Orphanet 140162, MedGen C0027672, MeSH D009386, MONDO:0015356.
Birt-Hogg-Dube syndrome. Also called: Birt Hogg Dubé syndrome. Identifiers: Orphanet 122, MedGen C0346010, MONDO:0800444.

Allele frequency attached by ClinVar (database versions not stated): gnomAD exomes below 0.00001.

Submissions (2):

Labcorp Genetics (formerly Invitae), Labcorp
Classification: Uncertain significance for Birt-Hogg-Dube syndrome. Last evaluated: 2024-05-20. Review status: criteria provided, single submitter. Criteria: Invitae Variant Classification Sherloc (09022015). Collection method: clinical testing. Allele origin: germline.
Comment: This sequence change replaces methionine, which is neutral and non-polar, with valine, which is neutral and non-polar, at codon 352 of the FLCN protein (p.Met352Val). This variant is not present in population databases (gnomAD no frequency). This variant has not been reported in the literature in individuals affected with FLCN-related conditions. ClinVar contains an entry for this variant (Variation ID: 1778047). Advanced modeling of protein sequence and biophysical properties (such as structural, functional, and spatial information, amino acid conservation, physicochemical variation, residue mobility, and thermodynamic stability) performed at Invitae indicates that this missense variant is not expected to disrupt FLCN protein function with a negative predictive value of 80%. In summary, the available evidence is currently insufficient to determine the role of this variant in disease. Therefore, it has been classified as a Variant of Uncertain Significance.

Ambry Genetics
Classification: Uncertain significance for Hereditary cancer-predisposing syndrome. Last evaluated: 2023-10-19. Review status: criteria provided, single submitter. Criteria: Ambry Variant Classification Scheme 2023. Collection method: clinical testing. Allele origin: germline.
Comment: The p.M352V variant (also known as c.1054A>G), located in coding exon 6 of the FLCN gene, results from an A to G substitution at nucleotide position 1054. The methionine at codon 352 is replaced by valine, an amino acid with highly similar properties. This amino acid position is highly conserved in available vertebrate species. In addition, this alteration is predicted to be deleterious by in silico analysis. Since supporting evidence is limited at this time, the clinical significance of this alteration remains unclear.

NM_144997.7(FLCN):c.1054A>G (p.Met352Val)

Gene: FLCN (folliculin; minus strand). Cytogenetic location: 17p11.2.
Variant type: single nucleotide variant.
Coding change: c.1054A>G on transcript NM_144997.7 (MANE Select); coding-DNA position 1054, A replaced by G.
Protein change: p.Met352Val; replaces methionine 352 with valine.
Molecular consequence: missense variant.
Genome position (GRCh38, 1-based): chr17:17,219,027, T>C on the plus strand (A>G on the coding strand, the complement: FLCN is on the minus strand). VCF-style: chr17-17219027-T-C. GRCh37 (hg19) VCF-style: chr17-17122341-T-C.
Other names: c.1108A>G, p.Met370Val (NM_001353229.2); c.1054A>G, p.Met352Val (NM_001353230.2, NM_001353231.2); short protein forms M352V, M370V.
Identifiers: ClinVar variation 1778047 (VCV001778047.5), dbSNP rs2544193073, ClinGen allele CA398532635.